The following is an entry in ClinVar:

ClinVar aggregate classification (germline): Uncertain significance (1 of 4 stars; one submission).

Submission:

GeneDx
Classification: Uncertain significance. Last evaluated: 2015-10-08. Review status: criteria provided, single submitter. Criteria: GeneDx Variant Classification (06012015). Collection method: clinical testing. Allele origin: germline. Affected: yes.
Comment: A variant of uncertain significance has been identified in the CTSD gene. The E44V variant has not been published as a pathogenic variant, nor has it been reported as a benign variant to our knowledge. It was not observed in approximately 6,500 individuals of European and African American ancestry in the NHLBI Exome Sequencing Project, indicating it is not a common benign variant in these populations. The E44V variant is a non-conservative amino acid substitution, which is likely to impact secondary protein structure as these residues differ in polarity, charge, size, and/or other properties. However, this substitution occurs at a position that is not conserved. In silico analysis is inconsistent in its predictions as to whether or not the variant is damaging to the protein structure/function. Therefore, based on the currently available information, it is unclear whether this variant is a pathogenic variant or a rare benign variant.

NM_001909.5(CTSD):c.131A>T (p.Glu44Val)

Genes: CTSD (cathepsin D; minus strand), PRADX (PRC2 and DDX5 associated lncRNA; plus strand). Cytogenetic location: 11p15.5.
Variant type: single nucleotide variant.
Coding change: c.131A>T on transcript NM_001909.5 (MANE Select); coding-DNA position 131, A replaced by T.
Protein change: p.Glu44Val; replaces glutamic acid 44 with valine.
Molecular consequence: missense variant.
Genome position (GRCh38, 1-based): chr11:1,761,406, T>A on the plus strand (A>T on the coding strand, the complement: CTSD is on the minus strand). VCF-style: chr11-1761406-T-A. GRCh37 (hg19) VCF-style: chr11-1782636-T-A.
Other names: short protein forms E44V.
Identifiers: ClinVar variation 449271 (VCV000449271.2), dbSNP rs1554963026, ClinGen allele CA379099831.